The following is an entry in ClinVar:

ClinVar aggregate classification (germline): Uncertain significance (0 of 4 stars; one submission).

Conditions:
SAMHD1-related disorder. Also called: SAMHD1-related condition.

Allele frequency attached by ClinVar (database versions not stated): gnomAD exomes below 0.00001.
gnomAD v4.1: 2 of 1,614,038 alleles (0.00012%); highest among the groups gnomAD compares: South Asian, 0.0011%; no homozygotes.

Submission:

PreventionGenetics, part of Exact Sciences
Classification: Uncertain significance for SAMHD1-related condition. Last evaluated: 2023-12-23. Review status: no assertion criteria provided. Collection method: clinical testing. Allele origin: germline.
Comment: The SAMHD1 c.1373G>A variant is predicted to result in the amino acid substitution p.Gly458Asp. To our knowledge, this variant has not been reported in the literature. This variant is reported in 0.0033% of alleles in individuals of South Asian descent in gnomAD. At this time, the clinical significance of this variant is uncertain due to the absence of conclusive functional and genetic evidence.

NM_015474.4(SAMHD1):c.1373G>A (p.Gly458Asp)

Gene: SAMHD1 (SAM and HD domain containing deoxynucleoside triphosphate triphosphohydrolase 1; minus strand). Cytogenetic location: 20q11.23.
Variant type: single nucleotide variant.
Coding change: c.1373G>A on transcript NM_015474.4 (MANE Select); coding-DNA position 1373, G replaced by A.
Protein change: p.Gly458Asp; replaces glycine 458 with aspartic acid.
Molecular consequence: missense variant.
Genome position (GRCh38, 1-based): chr20:36,905,401, C>T on the plus strand (G>A on the coding strand, the complement: SAMHD1 is on the minus strand). VCF-style: chr20-36905401-C-T. GRCh37 (hg19) VCF-style: chr20-35533804-C-T.
Other names: c.1373G>A, p.Gly458Asp (NM_001363729.2, NM_001363733.2); short protein forms G458D.
Identifiers: ClinVar variation 3030110 (VCV003030110.2), dbSNP rs1428627086, ClinGen allele CA408842212.